The following is an entry in ClinVar:

NM_001282506.2(MUC20):c.129G>T (p.Val43=)

Gene: MUC20 (mucin 20, cell surface associated). Cytogenetic location: 3q29.
Variant type: single nucleotide variant.
Coding change: c.129G>T on transcript NM_001282506.2 (MANE Select); coding-DNA position 129, G replaced by T.
Protein change: p.Val43=; no amino-acid change (valine 43 retained).
Molecular consequence: synonymous variant.
Genome position (GRCh38, 1-based): chr3:195,724,732, G>T. VCF-style: chr3-195724732-G-T. GRCh37 (hg19) VCF-style: chr3-195451603-G-T.
Identifiers: ClinVar variation 4874210 (VCV004874210.2).

ClinVar aggregate classification (germline): Likely benign (1 of 4 stars; one submission).

Submission:

CeGaT Center for Human Genetics Tuebingen
Classification: Likely benign. Last evaluated: 2026-04-01. Review status: criteria provided, single submitter. Criteria: CeGaT Center For Human Genetics Tuebingen Variant Classification Criteria Version 2. Collection method: clinical testing. Allele origin: germline. Affected: yes. Observed: 1 variant allele.
Comment: MUC20: PM2:Supporting, BP4, BP7